The following is an entry in ClinVar:

ClinVar aggregate classification (germline): Uncertain significance (1 of 4 stars; one submission).

Submission:

Labcorp Genetics (formerly Invitae), Labcorp
Classification: Uncertain significance. Last evaluated: 2024-10-10. Review status: criteria provided, single submitter. Criteria: Invitae Variant Classification Sherloc (09022015). Collection method: clinical testing. Allele origin: germline.
Comment: This sequence change replaces phenylalanine, which is neutral and non-polar, with tyrosine, which is neutral and polar, at codon 397 of the MMP13 protein (p.Phe397Tyr). This variant is not present in population databases (gnomAD no frequency). This variant has not been reported in the literature in individuals affected with MMP13-related conditions. Invitae Evidence Modeling of protein sequence and biophysical properties (such as structural, functional, and spatial information, amino acid conservation, physicochemical variation, residue mobility, and thermodynamic stability) indicates that this missense variant is expected to disrupt MMP13 protein function with a positive predictive value of 80%. In summary, the available evidence is currently insufficient to determine the role of this variant in disease. Therefore, it has been classified as a Variant of Uncertain Significance.

NM_002427.4(MMP13):c.1190T>A (p.Phe397Tyr)

Gene: MMP13 (matrix metallopeptidase 13; minus strand). Cytogenetic location: 11q22.2.
Variant type: single nucleotide variant.
Coding change: c.1190T>A on transcript NM_002427.4 (MANE Select); coding-DNA position 1190, T replaced by A.
Protein change: p.Phe397Tyr; replaces phenylalanine 397 with tyrosine.
Molecular consequence: missense variant.
Genome position (GRCh38, 1-based): chr11:102,947,912, A>T on the plus strand (T>A on the coding strand, the complement: MMP13 is on the minus strand). VCF-style: chr11-102947912-A-T. GRCh37 (hg19) VCF-style: chr11-102818641-A-T.
Other names: short protein forms F397Y.
Identifiers: ClinVar variation 3658166 (VCV003658166.2).